The following is an entry in ClinVar:

NM_001128228.3(TPRN):c.474GCC[3] (p.Pro162_Pro164del)

Gene: TPRN (taperin; minus strand). Cytogenetic location: 9q34.3.
Variant type: Microsatellite.
Coding change: c.474GCC[3] on transcript NM_001128228.3 (MANE Select); three copies in a row of the 3-base unit GCC starting at c.474; the reference has six copies in a row; three copies, 9 bases deleted.
Protein change: p.Pro162_Pro164del.
Molecular consequence: inframe deletion.
Genome position (GRCh38, 1-based): chr9:137,200,221-137,200,229, GGCGGCGGC deleted on the plus strand (GCCGCCGCC on the coding strand, the reverse complement: TPRN is on the minus strand); deleting any 9 consecutive bases within chr9:137,200,221-137,200,240 gives the same sequence; the position shown is the placement nearest the transcript's 3' end. VCF-style (leftmost placement, unchanged base first): chr9-137200220-GGGCGGCGGC-G. GRCh37 (hg19) VCF-style: chr9-140094672-GGGCGGCGGC-G.
Identifiers: ClinVar variation 1187821 (VCV001187821.3), dbSNP rs957768814, ClinGen allele CA467926352.

ClinVar aggregate classification (germline): Conflicting classifications of pathogenicity. Review status: criteria provided, conflicting classifications (1 of 4 stars). 2 submissions from 2 submitters: Uncertain significance (1); Likely benign (1). Last evaluated 2023-08-10.

Submissions (2):

Labcorp Genetics (formerly Invitae), Labcorp
Classification: Uncertain significance. Last evaluated: 2023-08-10. Review status: criteria provided, single submitter. Criteria: Invitae Variant Classification Sherloc (09022015). Collection method: clinical testing. Allele origin: germline.
Comment: This variant, c.483_491del, results in the deletion of 3 amino acid(s) of the TPRN protein (p.Pro162_Pro164del), but otherwise preserves the integrity of the reading frame. The frequency data for this variant in the population databases is considered unreliable, as metrics indicate poor data quality at this position in the gnomAD database. In summary, the available evidence is currently insufficient to determine the role of this variant in disease. Therefore, it has been classified as a Variant of Uncertain Significance. Experimental studies and prediction algorithms are not available or were not evaluated, and the functional significance of this variant is currently unknown. ClinVar contains an entry for this variant (Variation ID: 1187821). This variant has not been reported in the literature in individuals affected with TPRN-related conditions.

GeneDx
Classification: Likely benign. Last evaluated: 2020-09-09. Review status: criteria provided, single submitter. Criteria: GeneDx Variant Classification Process June 2021. Collection method: clinical testing. Allele origin: germline. Affected: yes.